The following is an entry in ClinVar:

ClinVar aggregate classification (germline): Uncertain significance. Review status: criteria provided, multiple submitters, no conflicts (2 of 4 stars). 2 submissions from 2 submitters: Uncertain significance (2). Last evaluated 2025-01-06.

Conditions:
Cardiovascular phenotype. Identifiers: MedGen CN230736.
Hereditary cancer-predisposing syndrome. Also called: Neoplastic Syndromes, Hereditary; Tumor predisposition; Hereditary neoplastic syndrome; Hereditary Cancer Syndrome. Identifiers: Orphanet 140162, MedGen C0027672, MeSH D009386, MONDO:0015356.
Neurofibromatosis, type 1 (NF1). Also called: Peripheral type neurofibromatosis; VON RECKLINGHAUSEN DISEASE; NEUROFIBROMATOSIS, TYPE I, SOMATIC; Neurofibromatosis, type I. Identifiers: Orphanet 636, MedGen C0027831, MONDO:0018975, OMIM 162200. Disease mechanism: loss of function.

Allele frequency attached by ClinVar (database versions not stated): TOPMed below 0.00001; gnomAD 0.00001.
gnomAD v4.1: 1 of 1,613,946 alleles (0.000062%); highest among the groups gnomAD compares: Non-Finnish European, 0.000085%; no homozygotes.

Submissions (2):

Ambry Genetics
Classification: Uncertain significance for Cardiovascular phenotype; Hereditary cancer-predisposing syndrome. Last evaluated: 2025-01-06. Review status: criteria provided, single submitter. Criteria: Ambry Variant Classification Scheme 2023. Collection method: clinical testing. Allele origin: germline.
Comment: The p.A2716G variant (also known as c.8147C>G), located in coding exon 56 of the NF1 gene, results from a C to G substitution at nucleotide position 8147. The alanine at codon 2716 is replaced by glycine, an amino acid with similar properties. This amino acid position is highly conserved in available vertebrate species. In addition, this alteration is predicted to be tolerated by in silico analysis. Since supporting evidence is limited at this time, the clinical significance of this alteration remains unclear.

Labcorp Genetics (formerly Invitae), Labcorp
Classification: Uncertain significance for Neurofibromatosis, type 1. Last evaluated: 2023-11-04. Review status: criteria provided, single submitter. Criteria: Invitae Variant Classification Sherloc (09022015). Collection method: clinical testing. Allele origin: germline.
Comment: This sequence change replaces alanine, which is neutral and non-polar, with glycine, which is neutral and non-polar, at codon 2716 of the NF1 protein (p.Ala2716Gly). This variant is not present in population databases (gnomAD no frequency). This variant has not been reported in the literature in individuals affected with NF1-related conditions. ClinVar contains an entry for this variant (Variation ID: 1762175). Advanced modeling of protein sequence and biophysical properties (such as structural, functional, and spatial information, amino acid conservation, physicochemical variation, residue mobility, and thermodynamic stability) has been performed at Invitae for this missense variant, however the output from this modeling did not meet the statistical confidence thresholds required to predict the impact of this variant on NF1 protein function. This variant disrupts the p.Ala2716 amino acid residue in NF1. Other variant(s) that disrupt this residue have been determined to be pathogenic (Invitae). This suggests that this residue is clinically significant, and that variants that disrupt this residue are likely to be disease-causing. In summary, the available evidence is currently insufficient to determine the role of this variant in disease. Therefore, it has been classified as a Variant of Uncertain Significance.

NM_001042492.3(NF1):c.8210C>G (p.Ala2737Gly)

Gene: NF1 (neurofibromin 1; plus strand). Cytogenetic location: 17q11.2.
Variant type: single nucleotide variant.
Coding change: c.8210C>G on transcript NM_001042492.3 (MANE Select); coding-DNA position 8210, C replaced by G.
Protein change: p.Ala2737Gly; replaces alanine 2737 with glycine.
Molecular consequence: missense variant.
Genome position (GRCh38, 1-based): chr17:31,360,536, C>G. VCF-style: chr17-31360536-C-G. GRCh37 (hg19) VCF-style: chr17-29687554-C-G.
Other names: c.8147C>G, p.Ala2716Gly (NM_000267.4); short protein forms A2716G, A2737G.
Identifiers: ClinVar variation 1762175 (VCV001762175.6), dbSNP rs1264511763, ClinGen allele CA399204535.